The following is an entry in ClinVar:

ClinVar aggregate classification (germline): Uncertain significance (1 of 4 stars; one submission).

Submission:

Labcorp Genetics (formerly Invitae), Labcorp
Classification: Uncertain significance. Last evaluated: 2023-01-24. Review status: criteria provided, single submitter. Criteria: Invitae Variant Classification Sherloc (09022015). Collection method: clinical testing. Allele origin: germline.
Comment: In summary, the available evidence is currently insufficient to determine the role of this variant in disease. Therefore, it has been classified as a Variant of Uncertain Significance. Advanced modeling of protein sequence and biophysical properties (such as structural, functional, and spatial information, amino acid conservation, physicochemical variation, residue mobility, and thermodynamic stability) performed at Invitae indicates that this missense variant is not expected to disrupt COL7A1 protein function. ClinVar contains an entry for this variant (Variation ID: 1715066). This variant has not been reported in the literature in individuals affected with COL7A1-related conditions. This variant is not present in population databases (gnomAD no frequency). This sequence change replaces threonine, which is neutral and polar, with alanine, which is neutral and non-polar, at codon 1239 of the COL7A1 protein (p.Thr1239Ala).

NM_000094.4(COL7A1):c.3715A>G (p.Thr1239Ala)

Gene: COL7A1 (collagen type VII alpha 1 chain; minus strand). Cytogenetic location: 3p21.31.
Variant type: single nucleotide variant.
Coding change: c.3715A>G on transcript NM_000094.4 (MANE Select); coding-DNA position 3715, A replaced by G.
Protein change: p.Thr1239Ala; replaces threonine 1239 with alanine.
Molecular consequence: missense variant.
Genome position (GRCh38, 1-based): chr3:48,586,082, T>C on the plus strand (A>G on the coding strand, the complement: COL7A1 is on the minus strand). VCF-style: chr3-48586082-T-C. GRCh37 (hg19) VCF-style: chr3-48623515-T-C.
Other names: short protein forms T1239A.
Identifiers: ClinVar variation 1715066 (VCV001715066.5), dbSNP rs2531202063, ClinGen allele CA352702637.